The following is an entry in ClinVar:

NM_002335.4(LRP5):c.4774C>T (p.Pro1592Ser)

Gene: LRP5 (LDL receptor related protein 5; plus strand). Cytogenetic location: 11q13.2.
Variant type: single nucleotide variant.
Coding change: c.4774C>T on transcript NM_002335.4 (MANE Select); coding-DNA position 4774, C replaced by T.
Protein change: p.Pro1592Ser; replaces proline 1592 with serine.
Molecular consequence: missense variant.
Genome position (GRCh38, 1-based): chr11:68,448,996, C>T. VCF-style: chr11-68448996-C-T. GRCh37 (hg19) VCF-style: chr11-68216464-C-T.
Other names: c.3031C>T, p.Pro1011Ser (NM_001291902.2); short protein forms P1011S, P1592S.
Identifiers: ClinVar variation 4800470 (VCV004800470.1).

ClinVar aggregate classification (germline): Uncertain significance (1 of 4 stars; one submission).

gnomAD v4.1: 1 of 1,598,938 alleles (0.000063%); highest among the groups gnomAD compares: Non-Finnish European, 0.000085%; no homozygotes.

Submission:

Labcorp Genetics (formerly Invitae), Labcorp
Classification: Uncertain significance. Last evaluated: 2025-05-04. Review status: criteria provided, single submitter. Criteria: Invitae Variant Classification Sherloc (09022015). Collection method: clinical testing. Allele origin: germline.
Comment: This sequence change replaces proline, which is neutral and non-polar, with serine, which is neutral and polar, at codon 1592 of the LRP5 protein (p.Pro1592Ser). The frequency data for this variant in the population databases is considered unreliable, as metrics indicate poor data quality at this position in the gnomAD database. This variant has not been reported in the literature in individuals affected with LRP5-related conditions. Invitae Evidence Modeling of protein sequence and biophysical properties (such as structural, functional, and spatial information, amino acid conservation, physicochemical variation, residue mobility, and thermodynamic stability) indicates that this missense variant is not expected to disrupt LRP5 protein function with a negative predictive value of 95%. In summary, the available evidence is currently insufficient to determine the role of this variant in disease. Therefore, it has been classified as a Variant of Uncertain Significance.